The following is an entry in ClinVar:

ClinVar aggregate classification (germline): Conflicting classifications of pathogenicity. Review status: criteria provided, conflicting classifications (1 of 4 stars). 4 submissions from 4 submitters: Uncertain significance (2); Likely benign (1). 1 of the submissions does not count toward it. Last evaluated 2026-01-03.

Conditions:
Inborn genetic diseases. Identifiers: MedGen C0950123, MeSH D030342.
Retinal dystrophy. Also called: Inherited retinal dystrophy. Identifiers: Orphanet 71862, MedGen C0854723, MeSH D058499, MONDO:0019118, HP:0000556.

Allele frequency attached by ClinVar (database versions not stated): gnomAD exomes below 0.00001; ExAC 0.00001; gnomAD 0.00003; TOPMed 0.00003.
gnomAD v4.1: 10 of 1,613,406 alleles (0.00062%); highest among the groups gnomAD compares: African/African-American, 0.0013%; no homozygotes.

Submissions (4):

Labcorp Genetics (formerly Invitae), Labcorp
Classification: Likely benign. Last evaluated: 2026-01-03. Review status: criteria provided, single submitter. Criteria: Invitae Variant Classification Sherloc (09022015). Collection method: clinical testing. Allele origin: germline.

Ambry Genetics
Classification: Uncertain significance for Inborn genetic diseases. Last evaluated: 2023-01-23. Review status: criteria provided, single submitter. Criteria: Ambry Variant Classification Scheme 2023. Collection method: clinical testing. Allele origin: germline.

GeneDx
Classification: Uncertain significance. Last evaluated: 2019-05-15. Review status: criteria provided, single submitter. Criteria: GeneDx Variant Classification Process June 2021. Collection method: clinical testing. Allele origin: germline. Affected: yes.
Comment: Not observed at a significant frequency in large population cohorts (Lek et al., 2016); In silico analysis, which includes protein predictors and evolutionary conservation, supports that this variant does not alter protein structure/function; Has not been previously published as pathogenic or benign to our knowledge

Institute of Human Genetics, Univ. Regensburg, Univ. Regensburg
Classification: Uncertain significance for Retinal dystrophy. Last evaluated: 2022-01-01. Review status: no assertion criteria provided. Criteria: ACMG Guidelines, 2015. Collection method: clinical testing. Allele origin: germline. Affected: yes. Not counted in ClinVar's aggregate classification.

NM_032119.4(ADGRV1):c.10570C>A (p.Gln3524Lys)

Gene: ADGRV1 (adhesion G protein-coupled receptor V1; plus strand). Cytogenetic location: 5q14.3.
Variant type: single nucleotide variant.
Coding change: c.10570C>A on transcript NM_032119.4 (MANE Select); coding-DNA position 10570, C replaced by A.
Protein change: p.Gln3524Lys; replaces glutamine 3524 with lysine.
Molecular consequence: missense variant. On other transcripts: non-coding transcript variant (1).
Genome position (GRCh38, 1-based): chr5:90,745,066, C>A. VCF-style: chr5-90745066-C-A. GRCh37 (hg19) VCF-style: chr5-90040883-C-A.
Other names: short protein forms Q3524K.
Identifiers: ClinVar variation 1026718 (VCV001026718.13), dbSNP rs766464017, ClinGen allele CA3340789.